The following is an entry in ClinVar:

NC_000003.12:g.41359534_41821951del

Genes: ULK4 (unc-51 like kinase 4; minus strand), LOC126806660 (CDK7 strongly-dependent group 2 enhancer GRCh37_chr3:41549167-41550366; plus strand). Cytogenetic location: 3p22.1.
Variant type: Deletion.
Identifiers: ClinVar variation 632552 (VCV000632552.3).

ClinVar aggregate classification (germline): Uncertain significance (0 of 4 stars; one submission).

Conditions:
Obesity. Also called: Obesity disorder. Identifiers: Orphanet 71529, MedGen C0028754, MeSH D009765, MONDO:0011122, HP:0001513.

Submission:

Dash Lab, University Health Network
Classification: Uncertain significance for Obesity. Last evaluated: 2018-12-01. Review status: no assertion criteria provided. Collection method: research. Allele origin: germline. Affected: yes.
Comment: Obesity with no other associated features